The following is an entry in ClinVar:

NM_004937.3(CTNS):c.139C>T (p.Arg47Trp)

Gene: CTNS (cystinosin, lysosomal cystine transporter; plus strand). Cytogenetic location: 17p13.2.
Variant type: single nucleotide variant.
Coding change: c.139C>T on transcript NM_004937.3 (MANE Select); coding-DNA position 139, C replaced by T.
Protein change: p.Arg47Trp; replaces arginine 47 with tryptophan.
Molecular consequence: missense variant. On other transcripts: 5 prime UTR variant (3), intron variant (1).
Genome position (GRCh38, 1-based): chr17:3,647,521, C>T. VCF-style: chr17-3647521-C-T. GRCh37 (hg19) VCF-style: chr17-3550815-C-T.
Other names: c.139C>T, p.Arg47Trp (NM_001031681.3, NM_001374492.1); c.-218C>T (NM_001374493.1, NM_001374496.1); c.-303C>T (NM_001374494.1); c.-217+7254C>T (NM_001374495.1); short protein forms R47W.
Identifiers: ClinVar variation 952419 (VCV000952419.11), dbSNP rs201153770, ClinGen allele CA8291564.

ClinVar aggregate classification (germline): Uncertain significance. Review status: criteria provided, multiple submitters, no conflicts (2 of 4 stars). 4 submissions from 4 submitters: Uncertain significance (3). 1 of the submissions does not count toward it. Last evaluated 2025-08-07.

Conditions:
Inborn genetic diseases. Identifiers: MedGen C0950123, MeSH D030342.
Ocular cystinosis. Also called: Non-Nephropathic Cystinosis; Non-Nephropathic (Ocular) Cystinosis. Identifiers: Orphanet 213, Orphanet 411641, MedGen C2931013, MONDO:0009064, OMIM 219750.
Juvenile nephropathic cystinosis. Also called: Intermediate Cystinosis; CYSTINOSIS, LATE-ONSET JUVENILE OR ADOLESCENT NEPHROPATHIC TYPE; Later-Onset (Juvenile) Cystinosis. Identifiers: Orphanet 213, Orphanet 411634, MedGen C0268626, MONDO:0009066, OMIM 219900.
Cystinosis. Also called: Cystine diathesis; Cystine storage disease; Cystinoses. Identifiers: Orphanet 213, MedGen C4316899, MONDO:0016239.
Nephropathic cystinosis (CTNS). Also called: CYSTINOSIN, DEFECT OF; LYSOSOMAL CYSTINE TRANSPORT PROTEIN, DEFECT OF; Abderhalden Lignac Kaufmann disease; Abderhalden-Kaufmann-Lignac syndrome. Identifiers: Orphanet 213, Orphanet 411629, MedGen C2931187, MONDO:0100151, OMIM 219800.

Allele frequency attached by ClinVar (database versions not stated): gnomAD exomes 0.00001; ExAC 0.00003; TOPMed 0.00004; gnomAD 0.00005; ESP Exome Variant Server 0.00008.

Submissions (4):

Ambry Genetics
Classification: Uncertain significance for Inborn genetic diseases. Last evaluated: 2025-08-07. Review status: criteria provided, single submitter. Criteria: Ambry Variant Classification Scheme 2023. Collection method: clinical testing. Allele origin: germline.

Fulgent Genetics
Classification: Uncertain significance for Ocular cystinosis; Nephropathic cystinosis; Juvenile nephropathic cystinosis. Last evaluated: 2024-03-11. Review status: criteria provided, single submitter. Criteria: ACMG Guidelines, 2015. Collection method: clinical testing. Allele origin: germline.

Labcorp Genetics (formerly Invitae), Labcorp
Classification: Uncertain significance for Inborn genetic diseases; Ocular cystinosis; Juvenile nephropathic cystinosis. Last evaluated: 2021-08-24. Review status: criteria provided, single submitter. Criteria: Invitae Variant Classification Sherloc (09022015). Collection method: clinical testing. Allele origin: germline.
Comment: This sequence change replaces arginine with tryptophan at codon 47 of the CTNS protein (p.Arg47Trp). The arginine residue is weakly conserved and there is a moderate physicochemical difference between arginine and tryptophan. This variant is present in population databases (rs201153770, ExAC 0.03%). This variant has not been reported in the literature in individuals affected with CTNS-related conditions. Algorithms developed to predict the effect of missense changes on protein structure and function are either unavailable or do not agree on the potential impact of this missense change (SIFT: "Deleterious"; PolyPhen-2: "Benign"; Align-GVGD: "Class C0"). In summary, the available evidence is currently insufficient to determine the role of this variant in disease. Therefore, it has been classified as a Variant of Uncertain Significance.

Natera, Inc.
Classification: Uncertain significance for Cystinosis. Last evaluated: 2020-04-27. Review status: no assertion criteria provided. Collection method: clinical testing. Allele origin: germline. Not counted in ClinVar's aggregate classification.